The following is an entry in ClinVar:

ClinVar aggregate classification (germline): Conflicting classifications of pathogenicity. Review status: criteria provided, conflicting classifications (1 of 4 stars). 5 submissions from 5 submitters: Uncertain significance (4); Likely benign (1). Last evaluated 2025-03-05.

Conditions:
Inborn genetic diseases. Identifiers: MedGen C0950123, MeSH D030342.

Allele frequency attached by ClinVar (database versions not stated): ESP Exome Variant Server 0.00008; gnomAD 0.00014 and 0.00015; gnomAD exomes 0.00017; TOPMed 0.00020.
gnomAD v4.1: 271 of 1,608,234 alleles (0.017%); highest among the groups gnomAD compares: Non-Finnish European, 0.021%; 1 homozygote.

Submissions (5):

Women's Health and Genetics/Laboratory Corporation of America, LabCorp
Classification: Uncertain significance. Last evaluated: 2025-03-05. Review status: criteria provided, single submitter. Criteria: LabCorp Variant Classification Summary - May 2015. Collection method: clinical testing. Allele origin: germline.
Comment: Variant summary: SZT2 c.9115+5G>A alters a nucleotide located close to a canonical splice site and therefore could affect mRNA splicing, leading to a significantly altered protein sequence. Several computational tools predict a significant impact on normal splicing: One predict the variant abolishes a 5' splicing donor site. Three predict the variant weakens a 5' donor site. However, these predictions have yet to be confirmed by functional studies. The variant allele was found at a frequency of 0.00016 in 238878 control chromosomes (gnomAD). This frequency is not significantly higher than estimated for a pathogenic variant in SZT2 causing Early Infantile Epileptic Encephalopathy 18, allowing no conclusion about variant significance. To our knowledge, no occurrence of c.9115+5G>A in individuals affected with Early Infantile Epileptic Encephalopathy 18 and no experimental evidence demonstrating its impact on protein function have been reported. ClinVar contains an entry for this variant (Variation ID: 418511). Based on the evidence outlined above, the variant was classified as uncertain significance.

Ambry Genetics
Classification: Uncertain significance for Inborn genetic diseases. Last evaluated: 2024-02-21. Review status: criteria provided, single submitter. Criteria: Ambry Variant Classification Scheme 2023. Collection method: clinical testing. Allele origin: germline.
Comment: The c.9115+5G>A intronic alteration consists of a G to A substitution 5 nucleotides after exon 65 of the SZT2 gene. Based on insufficient or conflicting evidence, the clinical significance of this alteration remains unclear.

Labcorp Genetics (formerly Invitae), Labcorp
Classification: Uncertain significance. Last evaluated: 2022-09-27. Review status: criteria provided, single submitter. Criteria: Invitae Variant Classification Sherloc (09022015). Collection method: clinical testing. Allele origin: germline.
Comment: This sequence change falls in intron 65 of the SZT2 gene. It does not directly change the encoded amino acid sequence of the SZT2 protein. It affects a nucleotide within the consensus splice site. This variant is present in population databases (rs367775055, gnomAD 0.02%). This variant has not been reported in the literature in individuals affected with SZT2-related conditions. ClinVar contains an entry for this variant (Variation ID: 418511). Variants that disrupt the consensus splice site are a relatively common cause of aberrant splicing (PMID: 17576681, 9536098). Algorithms developed to predict the effect of sequence changes on RNA splicing suggest that this variant may create or strengthen a splice site. In summary, the available evidence is currently insufficient to determine the role of this variant in disease. Therefore, it has been classified as a Variant of Uncertain Significance.

CeGaT Center for Human Genetics Tuebingen
Classification: Likely benign. Last evaluated: 2022-07-01. Review status: criteria provided, single submitter. Criteria: CeGaT Center For Human Genetics Tuebingen Variant Classification Criteria Version 2. Collection method: clinical testing. Allele origin: germline. Affected: yes. Observed: 2 variant alleles.
Comment: SZT2: BP4

GeneDx
Classification: Uncertain significance. Last evaluated: 2021-07-12. Review status: criteria provided, single submitter. Criteria: GeneDx Variant Classification Process June 2021. Collection method: clinical testing. Allele origin: germline. Affected: yes.
Comment: In silico analysis supports a deleterious effect on splicing; Has not been previously published as pathogenic or benign to our knowledge; This variant is associated with the following publications: (PMID: 27535533)

Literature cited by the submitters: PubMed 17576681 (cited by Labcorp Genetics (formerly Invitae), Labcorp); PubMed 9536098 (cited by Labcorp Genetics (formerly Invitae), Labcorp).

NM_001365999.1(SZT2):c.9286+5G>A

Gene: SZT2 (SZT2 subunit of KICSTOR complex; plus strand). Cytogenetic location: 1p34.2.
Variant type: single nucleotide variant.
Coding change: c.9286+5G>A on transcript NM_001365999.1 (MANE Select); 5 bases into the intron after coding-DNA position 9286, G replaced by A.
Molecular consequence: intron variant.
Genome position (GRCh38, 1-based): chr1:43,447,173, G>A. VCF-style: chr1-43447173-G-A. GRCh37 (hg19) VCF-style: chr1-43912844-G-A.
Other names: c.9115+5G>A (NM_015284.4).
Identifiers: ClinVar variation 418511 (VCV000418511.45), dbSNP rs367775055, ClinGen allele CA810862.
Genomic context (GRCh38, chr1:43,447,173, plus strand): 5'-CTTCCTGGCCCACCACCCTGACGGACCCCACTTTGGCCGCAATCACATTTACCAAGGTCA[G>A]TGCCCAAGGGCAAGCCAGTGAACCCAAAAAAGAACAGGCCACAGGTGCCTCCAGGTCAGG-3'